The following is an entry in ClinVar:

ClinVar aggregate classification (germline): Uncertain significance (1 of 4 stars; one submission).

Conditions:
Charcot-Marie-Tooth disease type 2. Also called: Charcot-Marie-Tooth type 2. Identifiers: Orphanet 64746, MedGen C0270914, MONDO:0018993.

Allele frequency attached by ClinVar (database versions not stated): gnomAD 0.00001; TOPMed 0.00003.
gnomAD v4.1: 7 of 1,613,898 alleles (0.00043%); highest among the groups gnomAD compares: African/African-American, 0.0013%; no homozygotes.

Submission:

Labcorp Genetics (formerly Invitae), Labcorp
Classification: Uncertain significance for Charcot-Marie-Tooth disease type 2. Last evaluated: 2025-08-15. Review status: criteria provided, single submitter. Criteria: Invitae Variant Classification Sherloc (09022015). Collection method: clinical testing. Allele origin: germline.
Comment: This sequence change replaces isoleucine, which is neutral and non-polar, with methionine, which is neutral and non-polar, at codon 155 of the AARS protein (p.Ile155Met). This variant is present in population databases (no rsID available, gnomAD 0.0009%). This variant has not been reported in the literature in individuals affected with AARS-related conditions. ClinVar contains an entry for this variant (Variation ID: 2142552). Invitae Evidence Modeling of protein sequence and biophysical properties (such as structural, functional, and spatial information, amino acid conservation, physicochemical variation, residue mobility, and thermodynamic stability) indicates that this missense variant is not expected to disrupt AARS protein function with a negative predictive value of 95%. In summary, the available evidence is currently insufficient to determine the role of this variant in disease. Therefore, it has been classified as a Variant of Uncertain Significance.

NM_001605.3(AARS1):c.465C>G (p.Ile155Met)

Gene: AARS1 (alanyl-tRNA synthetase 1; minus strand). Cytogenetic location: 16q22.1.
Variant type: single nucleotide variant.
Coding change: c.465C>G on transcript NM_001605.3 (MANE Select); coding-DNA position 465, C replaced by G.
Protein change: p.Ile155Met; replaces isoleucine 155 with methionine.
Molecular consequence: missense variant.
Genome position (GRCh38, 1-based): chr16:70,276,500, G>C on the plus strand (C>G on the coding strand, the complement: AARS1 is on the minus strand). VCF-style: chr16-70276500-G-C. GRCh37 (hg19) VCF-style: chr16-70310403-G-C.
Other names: short protein forms I155M.
Identifiers: ClinVar variation 2142552 (VCV002142552.4), dbSNP rs1474462184, ClinGen allele CA396568541.
Genomic context (GRCh38, chr16:70,276,500, plus strand): 5'-GTCATTTCACTCCTCCATACTCTCAAGAAGTGATGTGCATTCTTACCCCAAATTTTGCCA[G>C]ATCTGTTTGCATTCCAGATCTGCTTCTAAGCCAGCTGCTTCATCCCCGCCAAAGTAAGTA-3'
Protein context (NP_001596.2, residues 145-165): GLEADLECKQ[Ile155Met]WQNLGLDDTK